The following is an entry in ClinVar:

ClinVar aggregate classification (germline): Uncertain significance (1 of 4 stars; one submission).

Conditions:
Cardiovascular phenotype. Identifiers: MedGen CN230736.

Submission:

Ambry Genetics
Classification: Uncertain significance for Cardiovascular phenotype. Last evaluated: 2023-03-07. Review status: criteria provided, single submitter. Criteria: Ambry Variant Classification Scheme 2023. Collection method: clinical testing. Allele origin: germline.
Comment: The p.E1840D variant (also known as c.5520A>C), located in coding exon 27 of the SCN10A gene, results from an A to C substitution at nucleotide position 5520. The glutamic acid at codon 1840 is replaced by aspartic acid, an amino acid with highly similar properties. This amino acid position is conserved. In addition, the in silico prediction for this alteration is inconclusive. Since supporting evidence is limited at this time, the clinical significance of this alteration remains unclear.

NM_006514.4(SCN10A):c.5520A>C (p.Glu1840Asp)

Gene: SCN10A (sodium voltage-gated channel alpha subunit 10; minus strand). Cytogenetic location: 3p22.2.
Variant type: single nucleotide variant.
Coding change: c.5520A>C on transcript NM_006514.4 (MANE Select); coding-DNA position 5520, A replaced by C.
Protein change: p.Glu1840Asp; replaces glutamic acid 1840 with aspartic acid.
Molecular consequence: missense variant.
Genome position (GRCh38, 1-based): chr3:38,697,700, T>G on the plus strand (A>C on the coding strand, the complement: SCN10A is on the minus strand). VCF-style: chr3-38697700-T-G. GRCh37 (hg19) VCF-style: chr3-38739191-T-G.
Other names: c.5517A>C, p.Glu1839Asp (NM_001293306.2); c.5226A>C, p.Glu1742Asp (NM_001293307.2); short protein forms E1839D, E1742D, E1840D.
Identifiers: ClinVar variation 2448863 (VCV002448863.2), dbSNP rs1338861342, ClinGen allele CA352153109.